The following is an entry in ClinVar:

NM_003982.4(SLC7A7):c.1246-26_1248del

Gene: SLC7A7 (solute carrier family 7 member 7; minus strand). Cytogenetic location: 14q11.2.
Variant type: Deletion.
Coding change: c.1246-26_1248del on transcript NM_003982.4 (MANE Select); 26 bases into the intron before coding-DNA position 1246 through coding-DNA position 1248, 29 bases deleted (TCCAGTTATGTTTCCTGTGCCCTTAGCTC).
Molecular consequence: splice acceptor variant.
Genome position (GRCh38, 1-based): chr14:22,774,114-22,774,142, GAGCTAAGGGCACAGGAAACATAACTGGA deleted on the plus strand (TCCAGTTATGTTTCCTGTGCCCTTAGCTC on the coding strand, the reverse complement: SLC7A7 is on the minus strand); deleting any 29 consecutive bases within chr14:22,774,114-22,774,143 gives the same sequence; the c. name uses the placement nearest the transcript's 3' end. VCF-style (leftmost placement, unchanged base first): chr14-22774113-TGAGCTAAGGGCACAGGAAACATAACTGGA-T. GRCh37 (hg19) VCF-style: chr14-23243322-TGAGCTAAGGGCACAGGAAACATAACTGGA-T.
Other names: c.1246-26_1248del (NM_001126106.4, NM_001126105.3).
Identifiers: ClinVar variation 1520879 (VCV001520879.6), dbSNP rs2038542991, ClinGen allele CA2123132222.
Genomic context (GRCh38, chr14:22,774,113, plus strand): 5'-AAAGTGGAACAGCCACCAGGAAGATGGTGCAGAGGCAGAAGACAATCGGGAAGAAAACGC[TGAGCTAAGGGCACAGGAAACATAACTGGA>T]GTGGACAACTCAGGATTCTTAACAGCTAAAATAACCCCACCTCCCATAAGGATTAGCGCA-3'

ClinVar aggregate classification (germline): Likely pathogenic (1 of 4 stars; one submission).

Conditions:
Lysinuric protein intolerance (LPI). Identifiers: Orphanet 470, MedGen C0268647, MONDO:0009109, OMIM 222700.

Submission:

Labcorp Genetics (formerly Invitae), Labcorp
Classification: Likely pathogenic for Lysinuric protein intolerance. Last evaluated: 2024-01-06. Review status: criteria provided, single submitter. Criteria: Invitae Variant Classification Sherloc (09022015). Collection method: clinical testing. Allele origin: germline.
Comment: This variant results in the deletion of part of exon 10 (c.1246-26_1248del) of the SLC7A7 gene. It is expected to disrupt RNA splicing. Variants that disrupt the donor or acceptor splice site typically lead to a loss of protein function (PMID: 16199547), and loss-of-function variants in SLC7A7 are known to be pathogenic (PMID: 10631139, 17764084). This variant is not present in population databases (gnomAD no frequency). This variant has not been reported in the literature in individuals affected with SLC7A7-related conditions. ClinVar contains an entry for this variant (Variation ID: 1520879). In summary, the currently available evidence indicates that the variant is pathogenic, but additional data are needed to prove that conclusively. Therefore, this variant has been classified as Likely Pathogenic.

Literature cited by the submitters: PubMed 16199547; PubMed 10631139; PubMed 17764084.